The following is an entry in ClinVar:

NM_004168.4(SDHA):c.361T>C (p.Trp121Arg)

Gene: SDHA (succinate dehydrogenase complex flavoprotein subunit A; plus strand). Cytogenetic location: 5p15.33.
Variant type: single nucleotide variant.
Coding change: c.361T>C on transcript NM_004168.4 (MANE Select); coding-DNA position 361, T replaced by C.
Protein change: p.Trp121Arg; replaces tryptophan 121 with arginine.
Molecular consequence: missense variant. On other transcripts: intron variant (1).
Genome position (GRCh38, 1-based): chr5:225,467, T>C. VCF-style: chr5-225467-T-C. GRCh37 (hg19) VCF-style: chr5-225582-T-C.
Other names: c.361T>C, p.Trp121Arg (NM_001330758.2); c.313-416T>C (NM_001294332.2); short protein forms W121R.
Identifiers: ClinVar variation 3793551 (VCV003793551.1).

ClinVar aggregate classification (germline): Uncertain significance (1 of 4 stars; one submission).

Conditions:
Hereditary cancer-predisposing syndrome. Also called: Neoplastic Syndromes, Hereditary; Hereditary Cancer Syndrome; Tumor predisposition; Hereditary neoplastic syndrome. Identifiers: Orphanet 140162, MedGen C0027672, MeSH D009386, MONDO:0015356.

Submission:

Ambry Genetics
Classification: Uncertain significance for Hereditary cancer-predisposing syndrome. Last evaluated: 2025-02-11. Review status: criteria provided, single submitter. Criteria: Ambry Variant Classification Scheme 2023. Collection method: clinical testing. Allele origin: germline.
Comment: The p.W121R variant (also known as c.361T>C), located in coding exon 4 of the SDHA gene, results from a T to C substitution at nucleotide position 361. The tryptophan at codon 121 is replaced by arginine, an amino acid with dissimilar properties. This amino acid position is conserved. In addition, this alteration is predicted to be deleterious by in silico analysis. Based on the available evidence, the clinical significance of this variant remains unclear.